The following is an entry in ClinVar:

ClinVar aggregate classification (germline): Uncertain significance (1 of 4 stars; one submission).

Conditions:
Hereditary cancer-predisposing syndrome. Also called: Neoplastic Syndromes, Hereditary; Hereditary neoplastic syndrome; Tumor predisposition; Hereditary Cancer Syndrome. Identifiers: Orphanet 140162, MedGen C0027672, MeSH D009386, MONDO:0015356.

Submission:

Ambry Genetics
Classification: Uncertain significance for Hereditary cancer-predisposing syndrome. Last evaluated: 2026-01-22. Review status: criteria provided, single submitter. Criteria: Ambry Variant Classification Scheme 2023. Collection method: clinical testing. Allele origin: germline.
Comment: The p.V327F variant (also known as c.979G>T), located in coding exon 9 of the PMS2 gene, results from a G to T substitution at nucleotide position 979. The valine at codon 327 is replaced by phenylalanine, an amino acid with highly similar properties. This amino acid position is conserved. In addition, this alteration is predicted to be deleterious by in silico analysis. Based on the available evidence, the clinical significance of this variant remains unclear.

NM_000535.7(PMS2):c.979G>T (p.Val327Phe)

Gene: PMS2 (PMS1 homolog 2, mismatch repair system component; minus strand). Cytogenetic location: 7p22.1.
Variant type: single nucleotide variant.
Coding change: c.979G>T on transcript NM_000535.7 (MANE Select); coding-DNA position 979, G replaced by T.
Protein change: p.Val327Phe; replaces valine 327 with phenylalanine.
Molecular consequence: missense variant. On other transcripts: non-coding transcript variant (1), intron variant (1).
Genome position (GRCh38, 1-based): chr7:5,991,982, C>A on the plus strand (G>T on the coding strand, the complement: PMS2 is on the minus strand). VCF-style: chr7-5991982-C-A. GRCh37 (hg19) VCF-style: chr7-6031613-C-A.
Other names: c.574G>T, p.Val192Phe (NM_001322003.2, NM_001322004.2, NM_001322005.2 and 19 more transcripts); c.979G>T, p.Val327Phe (NM_001322006.2, NM_001322014.2, NM_001406870.1 and 2 more transcripts); c.661G>T, p.Val221Phe (NM_001322007.2, NM_001322008.2, NM_001406876.1 and 4 more transcripts); c.46G>T, p.Val16Phe (NM_001322011.2, NM_001322012.2); c.811G>T, p.Val271Phe (NM_001406874.1, NM_001406884.1); c.670G>T, p.Val224Phe (NM_001406875.1, NM_001406877.1, NM_001406878.1 and 6 more transcripts); c.803+5344G>T (NM_001406912.1); c.406G>T, p.Val136Phe (NM_001322013.2, NM_001406909.1); and 8 more; short protein forms V136F, V205F, V215F, V221F, V70F, V261F, V335F, V156F.
Identifiers: ClinVar variation 4824563 (VCV004824563.1).
Genomic context (GRCh38, chr7:5,991,982, plus strand): 5'-ATTCTTTGAGGCATTAGTCACTAGTTGTACTGAAATGCCAATGGAACTTACCTGAATCAA[C>A]AGAAATGTTAAGAACAACAAATGGATACTGGTGTCGATTATACATGTGGTAGACCTCATT-3'
Protein context (NP_000526.2, residues 317-337): QYPFVVLNIS[Val327Phe]DSECVDINVT